The following is an entry in ClinVar:

NM_002439.5(MSH3):c.411G>C (p.Leu137Phe)

Gene: MSH3 (mutS homolog 3; plus strand). Cytogenetic location: 5q14.1.
Variant type: single nucleotide variant.
Coding change: c.411G>C on transcript NM_002439.5 (MANE Select); coding-DNA position 411, G replaced by C.
Protein change: p.Leu137Phe; replaces leucine 137 with phenylalanine.
Molecular consequence: missense variant.
Genome position (GRCh38, 1-based): chr5:80,665,195, G>C. VCF-style: chr5-80665195-G-C. GRCh37 (hg19) VCF-style: chr5-79961014-G-C.
Other names: c.411G>C (NM_002439.3); short protein forms L137F.
Identifiers: ClinVar variation 653379 (VCV000653379.11), dbSNP rs1580546588, ClinGen allele CA360263217.

ClinVar aggregate classification (germline): Uncertain significance. Review status: criteria provided, multiple submitters, no conflicts (2 of 4 stars). 3 submissions from 3 submitters: Uncertain significance (3). Last evaluated 2025-08-22.

Conditions:
Hereditary cancer-predisposing syndrome. Also called: Neoplastic Syndromes, Hereditary; Tumor predisposition; Hereditary Cancer Syndrome; Hereditary neoplastic syndrome. Identifiers: Orphanet 140162, MedGen C0027672, MeSH D009386, MONDO:0015356.

Allele frequency attached by ClinVar (database versions not stated): TOPMed below 0.00001.

Submissions (3):

Ambry Genetics
Classification: Uncertain significance for Hereditary cancer-predisposing syndrome. Last evaluated: 2025-08-22. Review status: criteria provided, single submitter. Criteria: Ambry Variant Classification Scheme 2023. Collection method: clinical testing. Allele origin: germline.
Comment: The p.L137F variant (also known as c.411G>C), located in coding exon 3 of the MSH3 gene, results from a G to C substitution at nucleotide position 411. The leucine at codon 137 is replaced by phenylalanine, an amino acid with highly similar properties. This amino acid position is conserved. In addition, the in silico prediction for this alteration is inconclusive. Based on the available evidence, the clinical significance of this variant remains unclear.

Labcorp Genetics (formerly Invitae), Labcorp
Classification: Uncertain significance. Last evaluated: 2025-01-30. Review status: criteria provided, single submitter. Criteria: Invitae Variant Classification Sherloc (09022015). Collection method: clinical testing. Allele origin: germline.
Comment: This sequence change replaces leucine, which is neutral and non-polar, with phenylalanine, which is neutral and non-polar, at codon 137 of the MSH3 protein (p.Leu137Phe). This variant is not present in population databases (gnomAD no frequency). This variant has not been reported in the literature in individuals affected with MSH3-related conditions. ClinVar contains an entry for this variant (Variation ID: 653379). An algorithm developed to predict the effect of missense changes on protein structure and function (PolyPhen-2) suggests that this variant is likely to be disruptive. In summary, the available evidence is currently insufficient to determine the role of this variant in disease. Therefore, it has been classified as a Variant of Uncertain Significance.

Sema4
Classification: Uncertain significance for Hereditary cancer-predisposing syndrome. Last evaluated: 2021-08-17. Review status: criteria provided, single submitter. Criteria: Sema4 Curation Guidelines. Collection method: curation. Allele origin: germline.
Comment: The MSH3 c.411G>C (p.L137F) variant has not been reported in the literature to our knowledge. This variant is not reported in the population database Genome Aggregation Database (PMID: 32461654). The variant has been reported in ClinVar (Variation ID 653379). Functional studies have not been performed, and in silico predictions of the variant's effect on protein function are inconclusive. The evidence is insufficient to meet ACMG/AMP criteria for classifying the variant as benign or pathogenic. Thus, the clinical significance of this variant is currently uncertain.